The following is an entry in ClinVar:

NM_033123.4(PLCZ1):c.1759_1760del (p.Leu587fs)

Genes: PIK3C2G (phosphatidylinositol-4-phosphate 3-kinase catalytic subunit type 2 gamma; plus strand), PLCZ1 (phospholipase C zeta 1; minus strand). Cytogenetic location: 12p12.3.
Variant type: Microsatellite.
Coding change: c.1759_1760del on transcript NM_033123.4 (MANE Select); coding-DNA positions 1759 to 1760, 2 bases deleted (CT; older notation c.1759_1760delCT).
Protein change: p.Leu587fs; shifts the reading frame from leucine 587.
Molecular consequence: frameshift variant.
Genome position (GRCh38, 1-based): chr12:18,683,306-18,683,307, AG deleted on the plus strand (CT on the coding strand, the reverse complement: PLCZ1 is on the minus strand); deleting any 2 consecutive bases within chr12:18,683,306-18,683,309 gives the same sequence; the c. name uses the placement nearest the transcript's 3' end. VCF-style (leftmost placement, unchanged base first): chr12-18683305-CAG-C. GRCh37 (hg19) VCF-style: chr12-18836239-CAG-C.
Other names: c.1180_1181del, p.Leu394fs (NM_001330769.1); c.1447_1448del, p.Leu483fs (NM_001330774.2); short protein forms L394fs, L483fs, L587fs.
Identifiers: ClinVar variation 3772297 (VCV003772297.13).

ClinVar aggregate classification (germline): Uncertain significance (1 of 4 stars; one submission).

Submission:

CeGaT Center for Human Genetics Tuebingen
Classification: Uncertain significance. Last evaluated: 2025-01-01. Review status: criteria provided, single submitter. Criteria: CeGaT Center For Human Genetics Tuebingen Variant Classification Criteria Version 2. Collection method: clinical testing. Allele origin: germline. Affected: yes. Observed: 1 variant allele.
Comment: PLCZ1: PM2